The following is an entry in ClinVar:

ClinVar aggregate classification (germline): Benign/Likely benign. Review status: criteria provided, multiple submitters, no conflicts (2 of 4 stars). 10 submissions from 9 submitters: Benign (1); Likely benign (7). 2 of the submissions do not count toward it. Last evaluated 2026-09-01.

Conditions:
Cardiovascular phenotype. Identifiers: MedGen CN230736.
Alstrom syndrome (ALMS). Identifiers: Orphanet 64, MedGen C0268425, MONDO:0008763, OMIM 203800.

Allele frequency attached by ClinVar (database versions not stated): gnomAD exomes 0.00014 and 0.00052; gnomAD 0.00032 and 0.00039; ExAC 0.00038; TOPMed 0.00038; 1000 Genomes Project 0.00140; 1000 Genomes Project 30x 0.00156.
gnomAD v4.1: 290 of 1,614,018 alleles (0.018%); highest among the groups gnomAD compares: East Asian, 0.45%; 2 homozygotes.

Submissions (10):

CeGaT Center for Human Genetics Tuebingen
Classification: Likely benign. Last evaluated: 2026-09-01. Review status: criteria provided, single submitter. Criteria: CeGaT Center For Human Genetics Tuebingen Variant Classification Criteria Version 2. Collection method: clinical testing. Allele origin: germline. Affected: yes. Observed: 3 variant alleles.
Comment: ALMS1: BP4, BS1

Labcorp Genetics (formerly Invitae), Labcorp
Classification: Likely benign for Alstrom syndrome. Last evaluated: 2026-02-04. Review status: criteria provided, single submitter. Criteria: Invitae Variant Classification Sherloc (09022015). Collection method: clinical testing. Allele origin: germline.

Blueprint Genetics
Classification: Likely benign. Last evaluated: 2024-11-15. Review status: criteria provided, single submitter. Criteria: ACMG Guidelines, 2015. Collection method: clinical testing. Allele origin: germline.

Women's Health and Genetics/Laboratory Corporation of America, LabCorp
Classification: Likely benign. Last evaluated: 2024-11-11. Review status: criteria provided, single submitter. Criteria: LabCorp Variant Classification Summary - May 2015. Collection method: clinical testing. Allele origin: germline.
Comment: Variant summary: ALMS1 c.10235A>G (p.Glu3412Gly) results in a non-conservative amino acid change in the encoded protein sequence. Three of four in-silico tools predict a benign effect of the variant on protein function. The variant allele was found at a frequency of 0.00052 in 249224 control chromosomes, predominantly at a frequency of 0.0065 within the East Asian subpopulation in the gnomAD database, including 1 homozygote. The observed variant frequency within East Asian control individuals in the gnomAD database is approximately 4.5 fold of the estimated maximal expected allele frequency for a pathogenic variant in ALMS1 causing Alstrom Syndrome phenotype (0.0014). To our knowledge, no occurrence of c.10235A>G in individuals affected with Alstrom Syndrome and no experimental evidence demonstrating its impact on protein function have been reported. ClinVar contains an entry for this variant (Variation ID: 373524). Based on the evidence outlined above, the variant was classified as likely benign.

Ambry Genetics
Classification: Benign for Cardiovascular phenotype. Last evaluated: 2023-01-23. Review status: criteria provided, single submitter. Criteria: Ambry Variant Classification Scheme 2023. Collection method: clinical testing. Allele origin: germline.

Pars Genome Lab
Classification: Likely benign for Alstrom syndrome. Last evaluated: 2021-05-18. Review status: criteria provided, single submitter. Criteria: ACMG Guidelines, 2015. Collection method: clinical testing. Allele origin: germline. Affected: no.

GeneDx
Classification: Likely benign. Last evaluated: 2020-10-13. Review status: criteria provided, single submitter. Criteria: GeneDx Variant Classification Process June 2021. Collection method: clinical testing. Allele origin: germline. Affected: yes.
Comment: This variant is associated with the following publications: (PMID: 26047050)

Laboratory for Molecular Medicine, Mass General Brigham Personalized Medicine
Classification: Likely benign. Last evaluated: 2017-08-23. Review status: criteria provided, single submitter. Criteria: LMM Criteria. Collection method: clinical testing. Allele origin: germline. Observed: 1 variant allele.
Comment: p.Glu3412Gly in exon 15 of ALMS1: This variant is not expected to have clinical significance because it has been identified in 0.49% (42/8554) of East Asian chromosomes by the Exome Aggregation Consortium (ExAC; dbSNP rs184779459).

Counsyl
Classification: Uncertain significance for Alstrom syndrome. Last evaluated: 2016-12-23. Review status: no assertion criteria provided. Collection method: clinical testing. Allele origin: unknown. Not counted in ClinVar's aggregate classification.

GeneDx
Classification: Uncertain significance. Last evaluated: 2016-11-30. Review status: flagged submission. Criteria: GeneDx Variant Classification (06012015). Collection method: clinical testing. Allele origin: germline. Affected: yes. Not counted in ClinVar's aggregate classification.
Comment: One individual with Leber congenital amaurosis (LCA) has been reported to be homozygous for the E3414G variant (published using alternative nomenclature E3412G) in the ALMS1 gene, though neither deletion analysis of the ALMS1 gene nor parental consanguinity status or genotypes were reported (Wang et al., 2015). Furthermore, this individual was also apparently homozygous for a truncating variant in the LCA5 gene, which would better explain a typical LCA phenotype. The E3414G variant is a non-conservative amino acid substitution, which is likely to impact secondary protein structure as these residues differ in polarity, charge, size and/or other properties. Though E3414G variant was not observed with any significant frequency in over 80,000 individuals of European and African ancestry in the Exome Aggregation Consortium, it was reported in 42/8554 (0.5%) alleles in individuals of East Asian background. Additionally, this substitution occurs at a position that is not conserved across species. In silico analysis is inconsistent in its predictions as to whether or not the variant is damaging to the protein structure/function. Lastly, while some missense variants have been reported in association with Alstrom syndrome, most pathogenic variants in ALMS1 reported to date introduce a premature termination codon (Marshall et al., 2012; Stenson et al., 2014).
ClinVar note: Reason: This record appears to be redundant with a more recent record from the same submitter.
ClinVar note: Notes: SCV000492122 appears to be redundant with SCV001793755.

Literature cited by the submitters: PubMed 23661369 (cited by Ambry Genetics); PubMed 26047050 (cited by Ambry Genetics); PubMed 29970176 (cited by Ambry Genetics).

NM_001378454.1(ALMS1):c.10238A>G (p.Glu3413Gly)

Gene: ALMS1 (ALMS1 centrosome and basal body associated protein; plus strand). Cytogenetic location: 2p13.1.
Variant type: single nucleotide variant.
Coding change: c.10238A>G on transcript NM_001378454.1 (MANE Select); coding-DNA position 10238, A replaced by G.
Protein change: p.Glu3413Gly; replaces glutamic acid 3413 with glycine.
Molecular consequence: missense variant.
Genome position (GRCh38, 1-based): chr2:73,558,996, A>G. VCF-style: chr2-73558996-A-G. GRCh37 (hg19) VCF-style: chr2-73786123-A-G.
Other names: c.10241A>G, p.Glu3414Gly (NM_015120.4); short protein forms E3414G, E3413G.
Identifiers: ClinVar variation 373524 (VCV000373524.40), dbSNP rs184779459, ClinGen allele CA1714949.